The following is an entry in ClinVar:

NC_000012.11:g.(?_116534454)_(116534577_?)del

Gene: MED13L (mediator complex subunit 13L; minus strand). Cytogenetic location: 12q24.21.
Variant type: Deletion.
Identifiers: ClinVar variation 464484 (VCV000464484.1).

ClinVar aggregate classification (germline): Uncertain significance (1 of 4 stars; one submission).

Conditions:
Dextro-looped transposition of the great arteries. Also called: Dextrotransposition of the great arteries. Identifiers: Orphanet 860, MedGen C3531771, MONDO:0019443, OMIM 608808, HP:0031348.

Submission:

Labcorp Genetics (formerly Invitae), Labcorp
Classification: Uncertain significance for Dextro-looped transposition of the great arteries. Last evaluated: 2017-06-03. Review status: criteria provided, single submitter. Criteria: Invitae Variant Classification Sherloc (09022015). Collection method: clinical testing. Allele origin: germline.
Comment: This variant is an in-frame deletion of the genomic region encompassing exon 4 of the MED13L gene. It preserves the integrity of the reading frame. This variant has not been reported in the literature in individuals with a MED13L-related disease. In summary, this variant has uncertain impact on MED13L function. The available evidence is currently insufficient to determine its role in disease. Therefore, it has been classified as a Variant of Uncertain Significance.